The following is an entry in ClinVar:

ClinVar aggregate classification (germline): Benign. Review status: criteria provided, multiple submitters, no conflicts (2 of 4 stars). 3 submissions from 3 submitters: Benign (2). 1 of the submissions does not count toward it. Last evaluated 2026-02-04.

Conditions:
LRRK1-related disorder. Also called: LRRK1-related condition.

Allele frequency attached by ClinVar (database versions not stated): ESP Exome Variant Server 0.05945; gnomAD 0.09344 and 0.08795; ExAC 0.12661; 1000 Genomes Project 30x 0.14913; gnomAD exomes 0.09214 and 0.13713; 1000 Genomes Project 0.15216; TOPMed 0.09776.
gnomAD v4.1: 149,432 of 1,613,920 alleles (9.3%); highest among the groups gnomAD compares: East Asian, 35%; 10,370 homozygotes.

Submissions (3):

Labcorp Genetics (formerly Invitae), Labcorp
Classification: Benign. Last evaluated: 2026-02-04. Review status: criteria provided, single submitter. Criteria: Invitae Variant Classification Sherloc (09022015). Collection method: clinical testing. Allele origin: germline.

Breakthrough Genomics
Classification: Benign. Review status: criteria provided, single submitter. Criteria: ACMG Guidelines, 2015. Collection method: not provided. Allele origin: germline. Inheritance: Autosomal recessive inheritance. Affected: yes.

PreventionGenetics, part of Exact Sciences
Classification: Benign for LRRK1-related condition. Last evaluated: 2019-10-21. Review status: no assertion criteria provided. Collection method: clinical testing. Allele origin: germline. Not counted in ClinVar's aggregate classification.
Comment: This variant is classified as benign based on ACMG/AMP sequence variant interpretation guidelines (Richards et al. 2015 PMID: 25741868, with internal and published modifications).

NM_024652.6(LRRK1):c.4161G>A (p.Leu1387=)

Genes: LRRK1 (leucine rich repeat kinase 1; plus strand), LRRK1-AS1 (LRRK1 antisense RNA 1; minus strand). Cytogenetic location: 15q26.3.
Variant type: single nucleotide variant.
Coding change: c.4161G>A on transcript NM_024652.6 (MANE Select); coding-DNA position 4161, G replaced by A.
Protein change: p.Leu1387=; no amino-acid change (leucine 1387 retained).
Molecular consequence: synonymous variant.
Genome position (GRCh38, 1-based): chr15:101,055,052, G>A. VCF-style: chr15-101055052-G-A. GRCh37 (hg19) VCF-style: chr15-101595257-G-A.
Other names: c.4161G>A (NM_024652.5).
Identifiers: ClinVar variation 1589922 (VCV001589922.11), dbSNP rs41372244, ClinGen allele CA7761768.